The following is an entry in ClinVar:

NM_024596.5(MCPH1):c.694C>G (p.His232Asp)

Gene: MCPH1 (microcephalin 1; plus strand). Cytogenetic location: 8p23.1.
Variant type: single nucleotide variant.
Coding change: c.694C>G on transcript NM_024596.5 (MANE Select); coding-DNA position 694, C replaced by G.
Protein change: p.His232Asp; replaces histidine 232 with aspartic acid.
Molecular consequence: missense variant. On other transcripts: non-coding transcript variant (1).
Genome position (GRCh38, 1-based): chr8:6,444,416, C>G. VCF-style: chr8-6444416-C-G. GRCh37 (hg19) VCF-style: chr8-6301937-C-G.
Other names: c.694C>G, p.His232Asp (NM_001172574.2, NM_001322042.2, NM_001363979.1 and 3 more transcripts); c.550C>G, p.His184Asp (NM_001172575.2); c.688C>G, p.His230Asp (NM_001322043.2); c.592C>G, p.His198Asp (NM_001322045.2); short protein forms H184D, H198D, H230D, H232D.
Identifiers: ClinVar variation 1909628 (VCV001909628.2), dbSNP rs768537043, ClinGen allele CA4610363.

ClinVar aggregate classification (germline): Uncertain significance (1 of 4 stars; one submission).

Allele frequency attached by ClinVar (database versions not stated): ExAC 0.00002; TOPMed 0.00002.
gnomAD v4.1: 15 of 1,614,158 alleles (0.00093%); highest among the groups gnomAD compares: Admixed American, 0.023%; no homozygotes.

Submission:

Labcorp Genetics (formerly Invitae), Labcorp
Classification: Uncertain significance. Last evaluated: 2022-05-04. Review status: criteria provided, single submitter. Criteria: Invitae Variant Classification Sherloc (09022015). Collection method: clinical testing. Allele origin: germline.
Comment: This sequence change replaces histidine, which is basic and polar, with aspartic acid, which is acidic and polar, at codon 232 of the MCPH1 protein (p.His232Asp). This variant is present in population databases (rs768537043, gnomAD 0.03%). This variant has not been reported in the literature in individuals affected with MCPH1-related conditions. Algorithms developed to predict the effect of missense changes on protein structure and function are either unavailable or do not agree on the potential impact of this missense change (SIFT: "Not Available"; PolyPhen-2: "Probably Damaging"; Align-GVGD: "Not Available"). In summary, the available evidence is currently insufficient to determine the role of this variant in disease. Therefore, it has been classified as a Variant of Uncertain Significance.